The following is an entry in ClinVar:

ClinVar aggregate classification (germline): Pathogenic (1 of 4 stars; one submission).

Conditions:
Autism spectrum disorder - epilepsy - arthrogryposis syndrome (AMRS). Identifiers: Orphanet 370943, MedGen C3809910, MONDO:0014248, OMIM 615553.

Submission:

Labcorp Genetics (formerly Invitae), Labcorp
Classification: Pathogenic for Autism spectrum disorder - epilepsy - arthrogryposis syndrome. Last evaluated: 2022-06-26. Review status: criteria provided, single submitter. Criteria: Invitae Variant Classification Sherloc (09022015). Collection method: clinical testing. Allele origin: germline.
Comment: For these reasons, this variant has been classified as Pathogenic. This variant has not been reported in the literature in individuals affected with SLC35A3-related conditions. This variant is not present in population databases (gnomAD no frequency). This sequence change creates a premature translational stop signal (p.Asn234Metfs*10) in the SLC35A3 gene. It is expected to result in an absent or disrupted protein product. Loss-of-function variants in SLC35A3 are known to be pathogenic (PMID: 24031089, 28328131).

Literature cited by the submitters: PubMed 24031089; PubMed 28328131.

NM_012243.3(SLC35A3):c.699del (p.Asn234fs)

Gene: SLC35A3 (solute carrier family 35 member A3; plus strand). Cytogenetic location: 1p21.2.
Variant type: Deletion.
Coding change: c.699del on transcript NM_012243.3 (MANE Select); coding-DNA position 699, one base deleted (G; older notation c.699delG).
Protein change: p.Asn234fs; shifts the reading frame from asparagine 234.
Molecular consequence: frameshift variant. On other transcripts: intron variant (1).
Genome position (GRCh38, 1-based): chr1:100,015,366, G deleted. VCF-style (leftmost placement, unchanged base first): chr1-100015365-AG-A. GRCh37 (hg19) VCF-style: chr1-100480921-AG-A.
Other names: c.825del, p.Asn276fs (NM_001271685.2); c.634+3833del (NM_001271684.2); short protein forms N234fs, N276fs.
Identifiers: ClinVar variation 2010868 (VCV002010868.4), dbSNP rs2524602049, ClinGen allele CA2580060669.